The following is an entry in ClinVar:

NM_024678.6(NARS2):c.3G>A (p.Met1Ile)

Gene: NARS2 (asparaginyl-tRNA synthetase 2, mitochondrial; minus strand). Cytogenetic location: 11q14.1.
Variant type: single nucleotide variant.
Coding change: c.3G>A on transcript NM_024678.6 (MANE Select); coding-DNA position 3, G replaced by A.
Protein change: p.Met1Ile; changes the start codon (methionine 1).
Molecular consequence: missense variant, initiator codon variant. On other transcripts: intron variant (1).
Genome position (GRCh38, 1-based): chr11:78,574,486, C>T on the plus strand (G>A on the coding strand, the complement: NARS2 is on the minus strand). VCF-style: chr11-78574486-C-T. GRCh37 (hg19) VCF-style: chr11-78285531-C-T.
Other names: c.-541+343G>A (NM_001243251.2); short protein forms M1I.
Identifiers: ClinVar variation 1460930 (VCV001460930.7), dbSNP rs2135555109, ClinGen allele CA382180893.

ClinVar aggregate classification (germline): Uncertain significance (1 of 4 stars; one submission).

Submission:

Labcorp Genetics (formerly Invitae), Labcorp
Classification: Uncertain significance. Last evaluated: 2022-07-19. Review status: criteria provided, single submitter. Criteria: Invitae Variant Classification Sherloc (09022015). Collection method: clinical testing. Allele origin: germline.
Comment: ClinVar contains an entry for this variant (Variation ID: 1460930). In summary, the available evidence is currently insufficient to determine the role of this variant in disease. Therefore, it has been classified as a Variant of Uncertain Significance. This variant disrupts a region of the NARS2 protein in which other variant(s) (p.His167Arg) have been observed in individuals with NARS2-related conditions (PMID: 28077841). This suggests that this is a clinically significant region of the protein, and that variants that disrupt it are likely to be disease-causing. This variant has not been reported in the literature in individuals affected with NARS2-related conditions. This variant is not present in population databases (gnomAD no frequency). This sequence change affects the initiator methionine of the NARS2 mRNA. The next in-frame methionine is located at codon 228.

Literature cited by the submitters: PubMed 28077841.